The following is an entry in ClinVar:

ClinVar aggregate classification (germline): Conflicting classifications of pathogenicity. Review status: criteria provided, conflicting classifications (1 of 4 stars). 5 submissions from 5 submitters: Uncertain significance (4); Likely benign (1). Last evaluated 2026-01-21.

Conditions:
Early-infantile DEE. Also called: Early infantile epileptic encephalopathy with suppression bursts; Early infantile epileptic encephalopathy; Ohtahara syndrome. Identifiers: Orphanet 1934, MedGen C0393706, MONDO:0800491.
HCN1-related disorder. Also called: HCN1-related condition; HCN1-related disorders.

Allele frequency attached by ClinVar (database versions not stated): gnomAD exomes below 0.00001 and 0.00001; ExAC 0.00001; gnomAD 0.00007 and 0.00009; ESP Exome Variant Server 0.00008; TOPMed 0.00012.
gnomAD v4.1: 27 of 1,613,772 alleles (0.0017%); highest among the groups gnomAD compares: Admixed American, 0.015%; no homozygotes.

Submissions (5):

Labcorp Genetics (formerly Invitae), Labcorp
Classification: Likely benign for Early-infantile DEE. Last evaluated: 2026-01-21. Review status: criteria provided, single submitter. Criteria: Invitae Variant Classification Sherloc (09022015). Collection method: clinical testing. Allele origin: germline.

PreventionGenetics, part of Exact Sciences
Classification: Uncertain significance for HCN1-related condition. Last evaluated: 2024-10-17. Review status: criteria provided, single submitter. Criteria: ACMG Guidelines, 2015. Collection method: clinical testing. Allele origin: germline.
Comment: The HCN1 c.2008G>A variant is predicted to result in the amino acid substitution p.Ala670Thr. To our knowledge, this variant has not been reported in the literature. This variant is reported in 0.0015% of alleles in individuals of European (Non-Finnish) descent in gnomAD. At this time, the clinical significance of this variant is uncertain due to the absence of conclusive functional and genetic evidence.

Revvity Omics, Revvity
Classification: Uncertain significance. Last evaluated: 2021-10-05. Review status: criteria provided, single submitter. Criteria: ACMG Guidelines, 2015. Collection method: clinical testing. Allele origin: germline.

Athena Diagnostics
Classification: Uncertain significance. Last evaluated: 2018-09-30. Review status: criteria provided, single submitter. Criteria: Athena Diagnostics Criteria. Collection method: clinical testing. Allele origin: germline.

Eurofins Ntd Llc (ga)
Classification: Uncertain significance. Last evaluated: 2017-06-26. Review status: criteria provided, single submitter. Criteria: EGL Classification Definitions 2015. Collection method: clinical testing. Allele origin: germline. Observed: 1 variant allele, 1 heterozygote.

NM_021072.4(HCN1):c.2008G>A (p.Ala670Thr)

Gene: HCN1 (hyperpolarization activated cyclic nucleotide gated potassium channel 1; minus strand). Cytogenetic location: 5p12.
Variant type: single nucleotide variant.
Coding change: c.2008G>A on transcript NM_021072.4 (MANE Select); coding-DNA position 2008, G replaced by A.
Protein change: p.Ala670Thr; replaces alanine 670 with threonine.
Molecular consequence: missense variant.
Genome position (GRCh38, 1-based): chr5:45,262,586, C>T on the plus strand (G>A on the coding strand, the complement: HCN1 is on the minus strand). VCF-style: chr5-45262586-C-T. GRCh37 (hg19) VCF-style: chr5-45262688-C-T.
Other names: short protein forms A670T.
Identifiers: ClinVar variation 502422 (VCV000502422.21), dbSNP rs373454105, ClinGen allele CA3259184.
Genomic context (GRCh38, chr5:45,262,586, plus strand): 5'-GCTGGGGGGTCTGTGTGCTGGGACTGGGGGAGTGCAGGTTGCTGTGAGACAGGCTGGTCG[C>T]TGTGTACACCGGTGGAGATTGTGTCCTCATGCGGGAGGTCGGGGTCGTAGTAGACGATGT-3'
Protein context (NP_066550.2, residues 660-680): MRTQSPPVYT[Ala670Thr]TSLSHSNLHS